The following is an entry in ClinVar:

ClinVar aggregate classification (germline): Uncertain significance (1 of 4 stars; one submission).

Conditions:
Hereditary sensory and autonomic neuropathy type 7. Also called: Neuropathy, hereditary sensory and autonomic, type VII; HSAN VII. Identifiers: Orphanet 391397, MedGen C3809882, MONDO:0014244, OMIM 615548.
Familial episodic pain syndrome with predominantly lower limb involvement. Also called: Episodic pain syndrome, familial, 3. Identifiers: Orphanet 391384, Orphanet 391392, MedGen C3809899, MONDO:0014247, OMIM 615552.

gnomAD v4.1: 26 of 1,613,912 alleles (0.0016%); highest among the groups gnomAD compares: African/African-American, 0.015%; no homozygotes.

Submission:

Labcorp Genetics (formerly Invitae), Labcorp
Classification: Uncertain significance for Familial episodic pain syndrome with predominantly lower limb involvement; Hereditary sensory and autonomic neuropathy type 7. Last evaluated: 2024-09-27. Review status: criteria provided, single submitter. Criteria: Invitae Variant Classification Sherloc (09022015). Collection method: clinical testing. Allele origin: germline.
Comment: This sequence change replaces glycine, which is neutral and non-polar, with arginine, which is basic and polar, at codon 1765 of the SCN11A protein (p.Gly1765Arg). This variant is present in population databases (rs146822068, gnomAD 0.01%). This variant has not been reported in the literature in individuals affected with SCN11A-related conditions. An algorithm developed to predict the effect of missense changes on protein structure and function outputs the following: PolyPhen-2: "Benign". The arginine amino acid residue is found in multiple mammalian species, which suggests that this missense change does not adversely affect protein function. In summary, the available evidence is currently insufficient to determine the role of this variant in disease. Therefore, it has been classified as a Variant of Uncertain Significance.

NM_001349253.2(SCN11A):c.5293G>A (p.Gly1765Arg)

Gene: SCN11A (sodium voltage-gated channel alpha subunit 11; minus strand). Cytogenetic location: 3p22.2.
Variant type: single nucleotide variant.
Coding change: c.5293G>A on transcript NM_001349253.2 (MANE Select); coding-DNA position 5293, G replaced by A.
Protein change: p.Gly1765Arg; replaces glycine 1765 with arginine.
Molecular consequence: missense variant.
Genome position (GRCh38, 1-based): chr3:38,846,777, C>T on the plus strand (G>A on the coding strand, the complement: SCN11A is on the minus strand). VCF-style: chr3-38846777-C-T. GRCh37 (hg19) VCF-style: chr3-38888268-C-T.
Other names: c.5293G>A, p.Gly1765Arg (NM_014139.3); short protein forms G1765R.
Identifiers: ClinVar variation 3761547 (VCV003761547.1).